The following is an entry in ClinVar:

NM_001001331.4(ATP2B2):c.3487T>C (p.Ser1163Pro)

Gene: ATP2B2 (ATPase plasma membrane Ca2+ transporting 2; minus strand). Cytogenetic location: 3p25.3.
Variant type: single nucleotide variant.
Coding change: c.3487T>C on transcript NM_001001331.4 (MANE Select); coding-DNA position 3487, T replaced by C.
Protein change: p.Ser1163Pro; replaces serine 1163 with proline.
Molecular consequence: missense variant. On other transcripts: 3 prime UTR variant (2).
Genome position (GRCh38, 1-based): chr3:10,329,059, A>G on the plus strand (T>C on the coding strand, the complement: ATP2B2 is on the minus strand). VCF-style: chr3-10329059-A-G. GRCh37 (hg19) VCF-style: chr3-10370743-A-G.
Other names: c.*114T>C (NM_001330611.3); c.3352T>C, p.Ser1118Pro (NM_001353564.1, NM_001683.5); c.*41T>C (NM_001363862.1); short protein forms S1118P, S1163P.
Identifiers: ClinVar variation 3900714 (VCV003900714.1).

ClinVar aggregate classification (germline): Uncertain significance (1 of 4 stars; one submission).

Conditions:
Hearing loss, autosomal dominant 82. Also called: Deafness, autosomal dominant 82. Identifiers: MedGen C5676948, MONDO:0030719, OMIM 619804.

Submission:

MVZ Medizinische Genetik Mainz
Classification: Uncertain significance for Hearing loss, autosomal dominant 82. Last evaluated: 2025-04-11. Review status: criteria provided, single submitter. Criteria: UK Practice Guidelines For Variant Classification V4 01 2020. Collection method: clinical testing. Allele origin: germline. Inheritance: Autosomal dominant inheritance. Affected: yes. Observed: 1 variant allele.
Comment: ACMG Criteria: PM2_SUP,PP2,PP3